The following is an entry in ClinVar:

NM_000548.5(TSC2):c.3398-2A>G

Gene: TSC2 (TSC complex subunit 2; plus strand). Cytogenetic location: 16p13.3.
Variant type: single nucleotide variant.
Coding change: c.3398-2A>G on transcript NM_000548.5 (MANE Select); the canonical splice acceptor site of the intron before coding-DNA position 3398, A replaced by G.
Molecular consequence: splice acceptor variant.
Genome position (GRCh38, 1-based): chr16:2,080,163, A>G. VCF-style: chr16-2080163-A-G. GRCh37 (hg19) VCF-style: chr16-2130164-A-G.
Other names: c.1925-2A>G (NM_001406693.1, NM_001406690.1, NM_001406692.1 and 1 more transcripts); c.3359-2A>G (NM_001406667.1); c.3356-2A>G (NM_001406668.1); c.2798-2A>G (NM_001406680.1, NM_001406683.1, NM_001406682.1); c.2666-2A>G (NM_001406687.1, NM_001318831.2, NM_001406688.1); c.2054-2A>G (NM_001406689.1); c.1922-2A>G (NM_001406691.1, NM_001406697.1, NM_001406695.1 and 1 more transcripts); c.1664-2A>G (NM_001406698.1); and 18 more.
Identifiers: ClinVar variation 1066677 (VCV001066677.10), dbSNP rs2151455445, ClinGen allele CA394288306.

ClinVar aggregate classification (germline): Conflicting classifications of pathogenicity. Review status: criteria provided, conflicting classifications (1 of 4 stars). 2 submissions from 2 submitters: Likely pathogenic (1); Uncertain significance (1). Last evaluated 2021-02-02.

Conditions:
Tuberous sclerosis 2 (TSC2). Identifiers: Orphanet 805, MedGen C1860707, MONDO:0013199, OMIM 613254.
Hereditary cancer-predisposing syndrome. Also called: Tumor predisposition; Neoplastic Syndromes, Hereditary; Hereditary neoplastic syndrome; Hereditary Cancer Syndrome. Identifiers: Orphanet 140162, MedGen C0027672, MeSH D009386, MONDO:0015356.

Submissions (2):

Ambry Genetics
Classification: Uncertain significance for Hereditary cancer-predisposing syndrome. Last evaluated: 2021-02-02. Review status: criteria provided, single submitter. Criteria: Ambry Variant Classification Scheme 2023. Collection method: clinical testing. Allele origin: germline.
Comment: The c.3398-2A>G intronic variant results from an A to G substitution two nucleotides upstream from coding exon 29 in the TSC2 gene. This nucleotide position is highly conserved in available vertebrate species. In silico analysis predicts that this alteration will abolish the native splice acceptor site. The resulting transcript is predicted to be in-frame and is not expected to trigger nonsense-mediated mRNA decay; however, direct evidence is unavailable. The exact functional effect of the missing amino acids is unknown. Since supporting evidence is limited at this time, the clinical significance of this alteration remains unclear.

Labcorp Genetics (formerly Invitae), Labcorp
Classification: Likely pathogenic for Tuberous sclerosis 2. Last evaluated: 2020-02-14. Review status: criteria provided, single submitter. Criteria: Invitae Variant Classification Sherloc (09022015). Collection method: clinical testing. Allele origin: germline.
Comment: This variant has not been reported in the literature in individuals with TSC2-related conditions. Algorithms developed to predict the effect of sequence changes on RNA splicing suggest that this variant may disrupt the consensus splice site, but this prediction has not been confirmed by published transcriptional studies. Donor and acceptor splice site variants typically lead to a loss of protein function (PMID: 16199547), and loss-of-function variants in TSC2 are known to be pathogenic (PMID: 10205261, 17304050). In summary, the currently available evidence indicates that the variant is pathogenic, but additional data are needed to prove that conclusively. Therefore, this variant has been classified as Likely Pathogenic. This sequence change affects an acceptor splice site in intron 29 of the TSC2 gene. It is expected to disrupt RNA splicing and likely results in an absent or disrupted protein product. This variant is not present in population databases (ExAC no frequency).

Literature cited by the submitters: PubMed 16199547 (cited by Labcorp Genetics (formerly Invitae), Labcorp); PubMed 10205261 (cited by Labcorp Genetics (formerly Invitae), Labcorp); PubMed 17304050 (cited by Labcorp Genetics (formerly Invitae), Labcorp).